The following is an entry in ClinVar:

ClinVar aggregate classification (germline): Uncertain significance. Review status: criteria provided, multiple submitters, no conflicts (2 of 4 stars). 2 submissions from 2 submitters: Uncertain significance (2). Last evaluated 2025-04-08.

Conditions:
Inborn genetic diseases. Identifiers: MedGen C0950123, MeSH D030342.
Nephronophthisis. Also called: Juvenile Nephronophthisis. Identifiers: Orphanet 655, MedGen C0687120, MONDO:0019005, HP:0000090.
Jeune thoracic dystrophy. Also called: Jeune syndrome; Infantile thoracic dystrophy; Thoracic pelvic phalangeal dystrophy; Jeune's syndrome; Chondroectodermal dysplasia-like syndrome; Short-rib thoracic dysplasia. Identifiers: Orphanet 474, MedGen C0265275, MONDO:0018770.

Allele frequency attached by ClinVar (database versions not stated): gnomAD exomes below 0.00001; gnomAD 0.00001; TOPMed 0.00001.
gnomAD v4.1: 5 of 1,611,612 alleles (0.00031%); highest among the groups gnomAD compares: Middle Eastern, 0.017%; no homozygotes.

Submissions (2):

Ambry Genetics
Classification: Uncertain significance for Inborn genetic diseases. Last evaluated: 2025-04-08. Review status: criteria provided, single submitter. Criteria: Ambry Variant Classification Scheme 2023. Collection method: clinical testing. Allele origin: germline.

Labcorp Genetics (formerly Invitae), Labcorp
Classification: Uncertain significance for Jeune thoracic dystrophy; Nephronophthisis. Last evaluated: 2022-02-06. Review status: criteria provided, single submitter. Criteria: Invitae Variant Classification Sherloc (09022015). Collection method: clinical testing. Allele origin: germline.
Comment: This sequence change replaces threonine, which is neutral and polar, with alanine, which is neutral and non-polar, at codon 988 of the TTC21B protein (p.Thr988Ala). This variant is not present in population databases (gnomAD no frequency). This variant has not been reported in the literature in individuals affected with TTC21B-related conditions. Algorithms developed to predict the effect of missense changes on protein structure and function (SIFT, PolyPhen-2, Align-GVGD) all suggest that this variant is likely to be tolerated. In summary, the available evidence is currently insufficient to determine the role of this variant in disease. Therefore, it has been classified as a Variant of Uncertain Significance.

NM_024753.5(TTC21B):c.2962A>G (p.Thr988Ala)

Gene: TTC21B (tetratricopeptide repeat domain 21B; minus strand). Cytogenetic location: 2q24.3.
Variant type: single nucleotide variant.
Coding change: c.2962A>G on transcript NM_024753.5 (MANE Select); coding-DNA position 2962, A replaced by G.
Protein change: p.Thr988Ala; replaces threonine 988 with alanine.
Molecular consequence: missense variant.
Genome position (GRCh38, 1-based): chr2:165,890,977, T>C on the plus strand (A>G on the coding strand, the complement: TTC21B is on the minus strand). VCF-style: chr2-165890977-T-C. GRCh37 (hg19) VCF-style: chr2-166747487-T-C.
Other names: c.2962A>G (NM_024753.3); short protein forms T988A.
Identifiers: ClinVar variation 1991207 (VCV001991207.5), dbSNP rs1160209017, ClinGen allele CA349048498.
Genomic context (GRCh38, chr2:165,890,977, plus strand): 5'-ATCTTGGGACATCCTCGAGTTTTCCACATCTTCTTAGGAGATCAATCAAACGAGATAATG[T>C]CATATAATTATCTAGAAACAAATAATACTTCAGATATGGGCACCATTTTATACTGTTTCT-3'
Protein context (NP_079029.3, residues 978-998): LLERKPDNYM[Thr988Ala]LSRLIDLLRR